The following is an entry in ClinVar:

NM_001367561.1(DOCK7):c.3079G>A (p.Asp1027Asn)

Gene: DOCK7 (dedicator of cytokinesis 7; minus strand). Cytogenetic location: 1p31.3.
Variant type: single nucleotide variant.
Coding change: c.3079G>A on transcript NM_001367561.1 (MANE Select); coding-DNA position 3079, G replaced by A.
Protein change: p.Asp1027Asn; replaces aspartic acid 1027 with asparagine.
Molecular consequence: missense variant.
Genome position (GRCh38, 1-based): chr1:62,539,859, C>T on the plus strand (G>A on the coding strand, the complement: DOCK7 is on the minus strand). VCF-style: chr1-62539859-C-T. GRCh37 (hg19) VCF-style: chr1-63005530-C-T.
Other names: c.3079G>A, p.Asp1027Asn (NM_001271999.2, NM_001330614.2); c.2986G>A, p.Asp996Asn (NM_001272000.2, NM_001272001.2, NM_033407.4); short protein forms D996N, D1027N.
Identifiers: ClinVar variation 1492445 (VCV001492445.8), dbSNP rs2149393893, ClinGen allele CA340610500.

ClinVar aggregate classification (germline): Uncertain significance (1 of 4 stars; one submission).

Conditions:
Developmental and epileptic encephalopathy, 23 (DEE23). Also called: Epileptic encephalopathy, early infantile, 23. Identifiers: Orphanet 411986, MedGen C4014492, MONDO:0014371, OMIM 615859.

Submission:

Labcorp Genetics (formerly Invitae), Labcorp
Classification: Uncertain significance for Developmental and epileptic encephalopathy, 23. Last evaluated: 2021-07-22. Review status: criteria provided, single submitter. Criteria: Invitae Variant Classification Sherloc (09022015). Collection method: clinical testing. Allele origin: germline.
Comment: This sequence change replaces aspartic acid with asparagine at codon 1027 of the DOCK7 protein (p.Asp1027Asn). The aspartic acid residue is moderately conserved and there is a small physicochemical difference between aspartic acid and asparagine. This variant is not present in population databases (ExAC no frequency). In summary, the available evidence is currently insufficient to determine the role of this variant in disease. Therefore, it has been classified as a Variant of Uncertain Significance. Algorithms developed to predict the effect of missense changes on protein structure and function (SIFT, PolyPhen-2, Align-GVGD) all suggest that this variant is likely to be tolerated. This variant has not been reported in the literature in individuals affected with DOCK7-related conditions.